The following is an entry in ClinVar:

ClinVar aggregate classification (germline): Uncertain significance. Review status: criteria provided, multiple submitters, no conflicts (2 of 4 stars). 2 submissions from 2 submitters: Uncertain significance (2). Last evaluated 2025-06-09.

Allele frequency attached by ClinVar (database versions not stated): gnomAD exomes 0.00001.
gnomAD v4.1: 21 of 1,613,164 alleles (0.0013%); highest among the groups gnomAD compares: Middle Eastern, 0.016%; no homozygotes.

Submissions (2):

Labcorp Genetics (formerly Invitae), Labcorp
Classification: Uncertain significance. Last evaluated: 2025-06-09. Review status: criteria provided, single submitter. Criteria: Invitae Variant Classification Sherloc (09022015). Collection method: clinical testing. Allele origin: germline.
Comment: This sequence change replaces glutamic acid, which is acidic and polar, with lysine, which is basic and polar, at codon 546 of the RUSC2 protein (p.Glu546Lys). This variant is present in population databases (rs776211425, gnomAD 0.01%). This variant has not been reported in the literature in individuals affected with RUSC2-related conditions. ClinVar contains an entry for this variant (Variation ID: 1509299). An algorithm developed to predict the effect of missense changes on protein structure and function (PolyPhen-2) suggests that this variant is likely to be disruptive. In summary, the available evidence is currently insufficient to determine the role of this variant in disease. Therefore, it has been classified as a Variant of Uncertain Significance.

Ambry Genetics
Classification: Uncertain significance. Last evaluated: 2024-11-13. Review status: criteria provided, single submitter. Criteria: Ambry Variant Classification Scheme 2023. Collection method: clinical testing. Allele origin: germline.

NM_014806.5(RUSC2):c.1636G>A (p.Glu546Lys)

Gene: RUSC2 (RUN and SH3 domain containing 2; plus strand). Cytogenetic location: 9p13.3.
Variant type: single nucleotide variant.
Coding change: c.1636G>A on transcript NM_014806.5 (MANE Select); coding-DNA position 1636, G replaced by A.
Protein change: p.Glu546Lys; replaces glutamic acid 546 with lysine.
Molecular consequence: missense variant. On other transcripts: non-coding transcript variant (1), intron variant (1).
Genome position (GRCh38, 1-based): chr9:35,548,157, G>A. VCF-style: chr9-35548157-G-A. GRCh37 (hg19) VCF-style: chr9-35548154-G-A.
Other names: c.1636G>A, p.Glu546Lys (NM_001135999.2); c.-620-6903G>A (NM_001330740.2); c.1636G>A (NM_001135999.1); short protein forms E546K.
Identifiers: ClinVar variation 1509299 (VCV001509299.7), dbSNP rs776211425, ClinGen allele CA5043694.